The following is an entry in ClinVar:

ClinVar aggregate classification (germline): Uncertain significance (1 of 4 stars; one submission).

Conditions:
Inborn genetic diseases. Identifiers: MedGen C0950123, MeSH D030342.

Submission:

Ambry Genetics
Classification: Uncertain significance for Inborn genetic diseases. Last evaluated: 2026-01-23. Review status: criteria provided, single submitter. Criteria: Ambry Variant Classification Scheme 2023. Collection method: clinical testing. Allele origin: germline.
Comment: The p.E566D variant (also known as c.1698G>C), located in coding exon 13 of the FANCG gene, results from a G to C substitution at nucleotide position 1698. The glutamic acid at codon 566 is replaced by aspartic acid, an amino acid with highly similar properties. This amino acid position is conserved. In addition, this alteration is predicted to be tolerated by in silico analysis. Based on the available evidence, the clinical significance of this variant remains unclear.

NM_004629.2(FANCG):c.1698G>C (p.Glu566Asp)

Gene: FANCG (FA complementation group G; minus strand). Cytogenetic location: 9p13.3.
Variant type: single nucleotide variant.
Coding change: c.1698G>C on transcript NM_004629.2 (MANE Select); coding-DNA position 1698, G replaced by C.
Protein change: p.Glu566Asp; replaces glutamic acid 566 with aspartic acid.
Molecular consequence: missense variant.
Genome position (GRCh38, 1-based): chr9:35,074,433, C>G on the plus strand (G>C on the coding strand, the complement: FANCG is on the minus strand). VCF-style: chr9-35074433-C-G. GRCh37 (hg19) VCF-style: chr9-35074430-C-G.
Other names: short protein forms E566D.
Identifiers: ClinVar variation 4844148 (VCV004844148.1).